The following is an entry in ClinVar:

ClinVar aggregate classification (germline): Uncertain significance (1 of 4 stars; one submission).

Conditions:
X-linked immunodeficiency with magnesium defect, Epstein-Barr virus infection and neoplasia. Identifiers: Orphanet 317476, MedGen C3275445, MONDO:0010455, OMIM 300853.

gnomAD v4.1: 5 of 1,201,937 alleles (0.00042%); highest among the groups gnomAD compares: South Asian, 0.0018%; no homozygotes.

Submission:

Labcorp Genetics (formerly Invitae), Labcorp
Classification: Uncertain significance for X-linked immunodeficiency with magnesium defect, Epstein-Barr virus infection and neoplasia. Last evaluated: 2025-01-16. Review status: criteria provided, single submitter. Criteria: Invitae Variant Classification Sherloc (09022015). Collection method: clinical testing. Allele origin: germline.
Comment: This sequence change replaces arginine, which is basic and polar, with glutamine, which is neutral and polar, at codon 20 of the MAGT1 protein (p.Arg20Gln). This variant is present in population databases (no rsID available, gnomAD 0.006%), including at least one homozygous and/or hemizygous individual. This variant has not been reported in the literature in individuals affected with MAGT1-related conditions. An algorithm developed to predict the effect of missense changes on protein structure and function outputs the following: PolyPhen-2: "Benign". The glutamine amino acid residue is found in multiple mammalian species, which suggests that this missense change does not adversely affect protein function. In summary, the available evidence is currently insufficient to determine the role of this variant in disease. Therefore, it has been classified as a Variant of Uncertain Significance.

NM_032121.5(MAGT1):c.59G>A (p.Arg20Gln)

Gene: MAGT1 (magnesium transporter 1; minus strand). Cytogenetic location: Xq21.1.
Variant type: single nucleotide variant.
Coding change: c.59G>A on transcript NM_032121.5; coding-DNA position 59, G replaced by A.
Protein change: p.Arg20Gln; replaces arginine 20 with glutamine.
Molecular consequence: missense variant.
Genome position (GRCh38, 1-based): chrX:77,895,448, C>T on the plus strand (G>A on the coding strand, the complement: MAGT1 is on the minus strand). VCF-style: chrX-77895448-C-T. GRCh37 (hg19) VCF-style: chrX-77150945-C-T.
Other names: short protein forms R20Q.
Identifiers: ClinVar variation 3611104 (VCV003611104.2).